The following is an entry in ClinVar:

NM_001994.3(F13B):c.703G>A (p.Asp235Asn)

Gene: F13B (coagulation factor XIII B chain; minus strand). Cytogenetic location: 1q31.3.
Variant type: single nucleotide variant.
Coding change: c.703G>A on transcript NM_001994.3 (MANE Select); coding-DNA position 703, G replaced by A.
Protein change: p.Asp235Asn; replaces aspartic acid 235 with asparagine.
Molecular consequence: missense variant.
Genome position (GRCh38, 1-based): chr1:197,060,468, C>T on the plus strand (G>A on the coding strand, the complement: F13B is on the minus strand). VCF-style: chr1-197060468-C-T. GRCh37 (hg19) VCF-style: chr1-197029598-C-T.
Other names: p.Asp235Asn; short protein forms D235N.
Identifiers: ClinVar variation 4542131 (VCV004542131.1).
Genomic context (GRCh38, chr1:197,060,468, plus strand): 5'-ATTGAATTAAATCAGATCCACTTAGATAATAATTTTCATGACAGAAAAACTGAACGACAT[C>T]TCCTTCTTCATAGGTTTGCTTTACAGGATGAAAATAACCATTTTCAATTAATCTTAAAGA-3'
Protein context (NP_001985.2, residues 225-245): HPVKQTYEEG[Asp235Asn]VVQFFCHENY

ClinVar aggregate classification (germline): Uncertain significance (1 of 4 stars; one submission).

gnomAD v4.1: 8 of 1,608,848 alleles (0.0005%); highest among the groups gnomAD compares: Admixed American, 0.013%; no homozygotes.

Submission:

Mayo Clinic Laboratories, Mayo Clinic
Classification: Uncertain significance. Last evaluated: 2025-02-10. Review status: criteria provided, single submitter. Criteria: ACMG Guidelines, 2015. Collection method: clinical testing. Allele origin: germline. Observed: 1 variant allele.
Comment: PM2_supporting